The following is an entry in ClinVar:

NM_001394998.1(TANC2):c.5699A>T (p.Tyr1900Phe)

Gene: TANC2 (tetratricopeptide repeat, ankyrin repeat and coiled-coil containing 2; plus strand). Cytogenetic location: 17q23.3.
Variant type: single nucleotide variant.
Coding change: c.5699A>T on transcript NM_001394998.1 (MANE Select); coding-DNA position 5699, A replaced by T.
Protein change: p.Tyr1900Phe; replaces tyrosine 1900 with phenylalanine.
Molecular consequence: missense variant.
Genome position (GRCh38, 1-based): chr17:63,421,429, A>T. VCF-style: chr17-63421429-A-T. GRCh37 (hg19) VCF-style: chr17-61498790-A-T.
Other names: c.5477A>T, p.Tyr1826Phe (NM_001411076.1); c.5447A>T, p.Tyr1816Phe (NM_025185.4); short protein forms Y1816F, Y1826F, Y1900F.
Identifiers: ClinVar variation 3769650 (VCV003769650.1).

ClinVar aggregate classification (germline): Uncertain significance (1 of 4 stars; one submission).

Conditions:
Abnormality of the musculoskeletal system. Identifiers: MedGen C3825027, HP:0033127.

Submission:

Clinical Genetics Laboratory, Skane University Hospital Lund
Classification: Uncertain significance for Abnormality of the musculoskeletal system. Last evaluated: 2024-12-02. Review status: criteria provided, single submitter. Criteria: ACMG Guidelines, 2015. Collection method: clinical testing. Allele origin: de novo. Affected: yes.
Comment: ACMG criteria used: PM2, BP4